The following is an entry in ClinVar:

NM_207122.2(EXT2):c.1876T>C (p.Cys626Arg)

Gene: EXT2 (exostosin glycosyltransferase 2; plus strand). Cytogenetic location: 11p11.2.
Variant type: single nucleotide variant.
Coding change: c.1876T>C on transcript NM_207122.2 (MANE Select); coding-DNA position 1876, T replaced by C.
Protein change: p.Cys626Arg; replaces cysteine 626 with arginine.
Molecular consequence: missense variant.
Genome position (GRCh38, 1-based): chr11:44,234,184, T>C. VCF-style: chr11-44234184-T-C. GRCh37 (hg19) VCF-style: chr11-44255734-T-C.
Other names: c.1975T>C, p.Cys659Arg (NM_000401.3); c.1906T>C, p.Cys636Arg (NM_001178083.3); c.1876T>C, p.Cys626Arg (NM_001389628.1, NM_001389630.1); short protein forms C636R, C659R, C626R.
Identifiers: ClinVar variation 1365474 (VCV001365474.8), dbSNP rs2135263090, ClinGen allele CA380183310.

ClinVar aggregate classification (germline): Uncertain significance (1 of 4 stars; one submission).

Conditions:
Exostoses, multiple, type 2 (EXT2). Also called: Hereditary Multiple Osteochondromatosis, Type II; EXOSTOSES, MULTIPLE, TYPE II. Identifiers: Orphanet 321, MedGen C1851413, MONDO:0007586, OMIM 133701.

Submission:

Labcorp Genetics (formerly Invitae), Labcorp
Classification: Uncertain significance for Exostoses, multiple, type 2. Last evaluated: 2021-01-17. Review status: criteria provided, single submitter. Criteria: Invitae Variant Classification Sherloc (09022015). Collection method: clinical testing. Allele origin: germline.
Comment: This sequence change replaces cysteine with arginine at codon 626 of the EXT2 protein (p.Cys626Arg). The cysteine residue is highly conserved and there is a large physicochemical difference between cysteine and arginine. This variant is not present in population databases (ExAC no frequency). This variant has not been reported in the literature in individuals with EXT2-related conditions. Algorithms developed to predict the effect of missense changes on protein structure and function (SIFT, PolyPhen-2, Align-GVGD) all suggest that this variant is likely to be disruptive, but these predictions have not been confirmed by published functional studies and their clinical significance is uncertain. In summary, the available evidence is currently insufficient to determine the role of this variant in disease. Therefore, it has been classified as a Variant of Uncertain Significance.